The following is an entry in ClinVar:

NM_000883.4(IMPDH1):c.537C>T (p.Asn179=)

Gene: IMPDH1 (inosine monophosphate dehydrogenase 1; minus strand). Cytogenetic location: 7q32.1.
Variant type: single nucleotide variant.
Coding change: c.537C>T on transcript NM_000883.4 (MANE Select); coding-DNA position 537, C replaced by T.
Protein change: p.Asn179=; no amino-acid change (asparagine 179 retained).
Molecular consequence: synonymous variant. On other transcripts: intron variant (1).
Genome position (GRCh38, 1-based): chr7:128,400,859, G>A on the plus strand (C>T on the coding strand, the complement: IMPDH1 is on the minus strand). VCF-style: chr7-128400859-G-A. GRCh37 (hg19) VCF-style: chr7-128040913-G-A.
Other names: c.507C>T, p.Asn169= (NM_001102605.2); c.282C>T, p.Asn94= (NM_001142573.2, NM_001142574.2); c.438C>T, p.Asn146= (NM_001142576.2); c.330C>T, p.Asn110= (NM_001304521.2); c.429C>T, p.Asn143= (NM_183243.3); c.249+156C>T (NM_001142575.2).
Identifiers: ClinVar variation 713113 (VCV000713113.9), dbSNP rs369080233, ClinGen allele CA4471129.

ClinVar aggregate classification (germline): Likely benign. Review status: criteria provided, multiple submitters, no conflicts (2 of 4 stars). 2 submissions from 2 submitters: Likely benign (2). Last evaluated 2025-10-18.

Conditions:
IMPDH1-related disorder. Also called: IMPDH1-related disorders; IMPDH1-related condition.

Allele frequency attached by ClinVar (database versions not stated): gnomAD exomes 0.00005; ExAC 0.00007; ESP Exome Variant Server 0.00008; gnomAD 0.00010 and 0.00012; TOPMed 0.00014.
gnomAD v4.1: 30 of 1,614,100 alleles (0.0019%); highest among the groups gnomAD compares: African/African-American, 0.024%; no homozygotes.

Submissions (2):

Labcorp Genetics (formerly Invitae), Labcorp
Classification: Likely benign. Last evaluated: 2025-10-18. Review status: criteria provided, single submitter. Criteria: Invitae Variant Classification Sherloc (09022015). Collection method: clinical testing. Allele origin: germline.

PreventionGenetics, part of Exact Sciences
Classification: Likely benign for IMPDH1-related condition. Last evaluated: 2025-08-06. Review status: criteria provided, single submitter. Criteria: ACMG Guidelines, 2015. Collection method: clinical testing. Allele origin: germline.
Comment: This variant is classified as likely benign based on ACMG/AMP sequence variant interpretation guidelines (Richards et al. 2015 PMID: 25741868, with internal and published modifications).